The following is an entry in ClinVar:

NM_003383.5(VLDLR):c.1474G>A (p.Ala492Thr)

Genes: VLDLR (very low density lipoprotein receptor; plus strand), LOC130001471 (ATAC-STARR-seq lymphoblastoid silent region 19736; plus strand). Cytogenetic location: 9p24.2.
Variant type: single nucleotide variant.
Coding change: c.1474G>A on transcript NM_003383.5 (MANE Select); coding-DNA position 1474, G replaced by A.
Protein change: p.Ala492Thr; replaces alanine 492 with threonine.
Molecular consequence: missense variant.
Genome position (GRCh38, 1-based): chr9:2,645,735, G>A. VCF-style: chr9-2645735-G-A. GRCh37 (hg19) VCF-style: chr9-2645735-G-A.
Other names: c.1474G>A, p.Ala492Thr (NM_001018056.3); c.1351G>A, p.Ala451Thr (NM_001322225.2, NM_001322226.2); short protein forms A451T, A492T.
Identifiers: ClinVar variation 2218259 (VCV002218259.3), dbSNP rs141757226, ClinGen allele CA4964840.

ClinVar aggregate classification (germline): Uncertain significance. Review status: criteria provided, multiple submitters, no conflicts (2 of 4 stars). 2 submissions from 2 submitters: Uncertain significance (2). Last evaluated 2025-03-14.

Conditions:
Inborn genetic diseases. Identifiers: MedGen C0950123, MeSH D030342.

Allele frequency attached by ClinVar (database versions not stated): ExAC 0.00005; 1000 Genomes Project 30x 0.00016; 1000 Genomes Project 0.00020; gnomAD 0.00021; TOPMed 0.00028; ESP Exome Variant Server 0.00031.
gnomAD v4.1: 57 of 1,614,134 alleles (0.0035%); highest among the groups gnomAD compares: African/African-American, 0.069%; no homozygotes.

Submissions (2):

GeneDx
Classification: Uncertain significance. Last evaluated: 2025-03-14. Review status: criteria provided, single submitter. Criteria: GeneDx Variant Classification Process June 2021. Collection method: clinical testing. Allele origin: germline. Affected: yes.
Comment: In silico analysis indicates that this missense variant does not alter protein structure/function; Has not been previously published as pathogenic or benign to our knowledge

Ambry Genetics
Classification: Uncertain significance for Inborn genetic diseases. Last evaluated: 2021-09-16. Review status: criteria provided, single submitter. Criteria: Ambry Variant Classification Scheme 2023. Collection method: clinical testing. Allele origin: germline.